The following is an entry in ClinVar:

ClinVar aggregate classification (germline): Pathogenic (1 of 4 stars; one submission).

Conditions:
Familial focal epilepsy with variable foci (FPEVF). Identifiers: Orphanet 98820, MedGen C1858477, MONDO:0020310.

Submission:

Labcorp Genetics (formerly Invitae), Labcorp
Classification: Pathogenic for Familial focal epilepsy with variable foci. Last evaluated: 2023-07-07. Review status: criteria provided, single submitter. Criteria: Invitae Variant Classification Sherloc (09022015). Collection method: clinical testing. Allele origin: germline.
Comment: This sequence change creates a premature translational stop signal (p.Asp650Ilefs*12) in the DEPDC5 gene. It is expected to result in an absent or disrupted protein product. Loss-of-function variants in DEPDC5 are known to be pathogenic (PMID: 23542697, 23542701). For these reasons, this variant has been classified as Pathogenic. ClinVar contains an entry for this variant (Variation ID: 1999515). This variant has not been reported in the literature in individuals affected with DEPDC5-related conditions. This variant is not present in population databases (gnomAD no frequency).

Literature cited by the submitters: PubMed 23542697; PubMed 23542701.

NM_001242896.3(DEPDC5):c.1948del (p.Asp650fs)

Gene: DEPDC5 (DEP domain containing 5, GATOR1 subcomplex subunit; plus strand). Cytogenetic location: 22q12.3.
Variant type: Deletion.
Coding change: c.1948del on transcript NM_001242896.3 (MANE Select); coding-DNA position 1948, one base deleted (G; older notation c.1948delG).
Protein change: p.Asp650fs; shifts the reading frame from aspartic acid 650.
Molecular consequence: frameshift variant. On other transcripts: non-coding transcript variant (4), intron variant (3).
Genome position (GRCh38, 1-based): chr22:31,821,579, G deleted; the last of 3 consecutive G bases (chr22:31,821,577-31,821,579); deleting any one gives the same sequence. VCF-style (leftmost placement, unchanged base first): chr22-31821576-AG-A. GRCh37 (hg19) VCF-style: chr22-32217562-AG-A.
Other names: c.1948del, p.Asp650fs (NM_001136029.4, NM_001363852.2, NM_001364318.2 and 3 more transcripts); c.1864del, p.Asp622fs (NM_001369901.1, NM_001369902.1); c.1870+2354del (NM_001363854.2, NM_001242897.2, NM_001364319.2); short protein forms D622fs, D650fs.
Identifiers: ClinVar variation 1999515 (VCV001999515.4), dbSNP rs2519448198, ClinGen allele CA2580099626.